The following is an entry in ClinVar:

NM_002878.4(RAD51D):c.697G>A (p.Glu233Lys)

Genes: RAD51D (RAD51 paralog D; minus strand), RAD51L3-RFFL (RAD51L3-RFFL readthrough; minus strand). Cytogenetic location: 17q12.
Variant type: single nucleotide variant.
Coding change: c.697G>A on transcript NM_002878.4 (MANE Select); coding-DNA position 697, G replaced by A.
Protein change: p.Glu233Lys; replaces glutamic acid 233 with lysine.
Molecular consequence: missense variant. On other transcripts: non-coding transcript variant (3).
Genome position (GRCh38, 1-based): chr17:35,103,295, C>T on the plus strand (G>A on the coding strand, the complement: RAD51D is on the minus strand). VCF-style: chr17-35103295-C-T. GRCh37 (hg19) VCF-style: chr17-33430314-C-T.
Other names: c.757G>A, p.Glu253Lys (NM_001142571.2); c.361G>A, p.Glu121Lys (NM_133629.3); short protein forms E121K, E233K, E253K.
Identifiers: ClinVar variation 2910426 (VCV002910426.4), dbSNP rs2142418505, ClinGen allele CA399087644.

ClinVar aggregate classification (germline): Uncertain significance. Review status: criteria provided, multiple submitters, no conflicts (2 of 4 stars). 2 submissions from 2 submitters: Uncertain significance (2). Last evaluated 2026-07-29.

Conditions:
Breast-ovarian cancer, familial, susceptibility to, 4. Identifiers: Orphanet 145, MedGen C3280345, MONDO:0013669, OMIM 614291.
Hereditary cancer-predisposing syndrome. Also called: Hereditary Cancer Syndrome; Hereditary neoplastic syndrome; Neoplastic Syndromes, Hereditary; Tumor predisposition. Identifiers: Orphanet 140162, MedGen C0027672, MeSH D009386, MONDO:0015356.

Submissions (2):

Ambry Genetics
Classification: Uncertain significance for Hereditary cancer-predisposing syndrome. Last evaluated: 2026-07-29. Review status: criteria provided, single submitter. Criteria: Ambry Variant Classification Scheme 2023. Collection method: clinical testing. Allele origin: germline.
Comment: The p.E233K variant (also known as c.697G>A), located in coding exon 8 of the RAD51D gene, results from a G to A substitution at nucleotide position 697. The glutamic acid at codon 233 is replaced by lysine, an amino acid with similar properties. This amino acid position is highly conserved in available vertebrate species. In addition, the in silico prediction for this alteration is inconclusive. Based on the available evidence, the clinical significance of this variant remains unclear.

Labcorp Genetics (formerly Invitae), Labcorp
Classification: Uncertain significance for Breast-ovarian cancer, familial, susceptibility to, 4. Last evaluated: 2024-01-04. Review status: criteria provided, single submitter. Criteria: Invitae Variant Classification Sherloc (09022015). Collection method: clinical testing. Allele origin: germline.
Comment: This sequence change replaces glutamic acid, which is acidic and polar, with lysine, which is basic and polar, at codon 233 of the RAD51D protein (p.Glu233Lys). This variant is not present in population databases (gnomAD no frequency). This variant has not been reported in the literature in individuals affected with RAD51D-related conditions. Advanced modeling of protein sequence and biophysical properties (such as structural, functional, and spatial information, amino acid conservation, physicochemical variation, residue mobility, and thermodynamic stability) performed at Invitae indicates that this missense variant is not expected to disrupt RAD51D protein function with a negative predictive value of 80%. In summary, the available evidence is currently insufficient to determine the role of this variant in disease. Therefore, it has been classified as a Variant of Uncertain Significance.